The following is an entry in ClinVar:

ClinVar aggregate classification (germline): Likely benign (1 of 4 stars; one submission).

Submission:

CeGaT Center for Human Genetics Tuebingen
Classification: Likely benign. Last evaluated: 2023-03-01. Review status: criteria provided, single submitter. Criteria: CeGaT Center For Human Genetics Tuebingen Variant Classification Criteria Version 2. Collection method: clinical testing. Allele origin: germline. Affected: yes. Observed: 1 variant allele.
Comment: BCAN: PM2:Supporting, BP4, BP7

NM_021948.5(BCAN):c.1377T>C (p.Tyr459=)

Genes: BCAN (brevican; plus strand), BCAN-AS1 (BCAN antisense RNA 1; minus strand), BCAN-AS2 (BCAN antisense RNA 2; minus strand). Cytogenetic location: 1q23.1.
Variant type: single nucleotide variant.
Coding change: c.1377T>C on transcript NM_021948.5 (MANE Select); coding-DNA position 1377, T replaced by C.
Protein change: p.Tyr459=; no amino-acid change (tyrosine 459 retained).
Molecular consequence: synonymous variant.
Genome position (GRCh38, 1-based): chr1:156,652,327, T>C. VCF-style: chr1-156652327-T-C. GRCh37 (hg19) VCF-style: chr1-156622119-T-C.
Other names: c.1377T>C, p.Tyr459= (NM_198427.2).
Identifiers: ClinVar variation 2639459 (VCV002639459.24), dbSNP rs2524824047, ClinGen allele CA421264025.